The following is an entry in ClinVar:

ClinVar aggregate classification (germline): Uncertain significance (1 of 4 stars; one submission).

Allele frequency attached by ClinVar (database versions not stated): gnomAD exomes below 0.00001; TOPMed below 0.00001.
gnomAD v4.1: 2 of 1,613,332 alleles (0.00012%); highest among the groups gnomAD compares: African/African-American, 0.0013%; no homozygotes.

Submission:

Labcorp Genetics (formerly Invitae), Labcorp
Classification: Uncertain significance. Last evaluated: 2021-12-19. Review status: criteria provided, single submitter. Criteria: Invitae Variant Classification Sherloc (09022015). Collection method: clinical testing. Allele origin: germline.
Comment: In summary, the available evidence is currently insufficient to determine the role of this variant in disease. Therefore, it has been classified as a Variant of Uncertain Significance. This sequence change replaces proline, which is neutral and non-polar, with serine, which is neutral and polar, at codon 636 of the DIAPH3 protein (p.Pro636Ser). This variant is not present in population databases (gnomAD no frequency). This variant has not been reported in the literature in individuals affected with DIAPH3-related conditions. Algorithms developed to predict the effect of missense changes on protein structure and function are either unavailable or do not agree on the potential impact of this missense change (SIFT: "Deleterious"; PolyPhen-2: "Probably Damaging"; Align-GVGD: "Class C0").

NM_001042517.2(DIAPH3):c.1906C>T (p.Pro636Ser)

Gene: DIAPH3 (diaphanous related formin 3; minus strand). Cytogenetic location: 13q21.2.
Variant type: single nucleotide variant.
Coding change: c.1906C>T on transcript NM_001042517.2 (MANE Select); coding-DNA position 1906, C replaced by T.
Protein change: p.Pro636Ser; replaces proline 636 with serine.
Molecular consequence: missense variant.
Genome position (GRCh38, 1-based): chr13:59,970,905, G>A on the plus strand (C>T on the coding strand, the complement: DIAPH3 is on the minus strand). VCF-style: chr13-59970905-G-A. GRCh37 (hg19) VCF-style: chr13-60545039-G-A.
Other names: c.1873C>T, p.Pro625Ser (NM_001258366.2); c.1768C>T, p.Pro590Ser (NM_001258367.2); c.1696C>T, p.Pro566Ser (NM_001258368.2); c.1906C>T, p.Pro636Ser (NM_001258369.2); c.1117C>T, p.Pro373Ser (NM_001258370.2, NM_030932.4); short protein forms P625S, P636S, P373S, P566S, P590S.
Identifiers: ClinVar variation 2048055 (VCV002048055.4), dbSNP rs990121904, ClinGen allele CA250962917.